The following is an entry in ClinVar:

ClinVar aggregate classification (germline): Uncertain significance. Review status: criteria provided, multiple submitters, no conflicts (2 of 4 stars). 3 submissions from 3 submitters: Uncertain significance (3). Last evaluated 2025-04-24.

Conditions:
Inborn genetic diseases. Identifiers: MedGen C0950123, MeSH D030342.
Ellis-van Creveld syndrome (EVC). Also called: Chondroectodermal dysplasia; EVC-Related Ellis-van Creveld Syndrome; EVC2-Related Ellis-van Creveld Syndrome; MESOECTODERMAL DYSPLASIA. Identifiers: Orphanet 289, MedGen C0013903, MONDO:0009162, OMIM 225500.
Curry-Hall syndrome (WAD). Also called: WEYERS ACRODENTAL DYSOSTOSIS. Identifiers: Orphanet 952, MedGen C0457013, MONDO:0008673, OMIM 193530.

Allele frequency attached by ClinVar (database versions not stated): gnomAD exomes below 0.00001; gnomAD 0.00001; TOPMed 0.00008.

Submissions (3):

Women's Health and Genetics/Laboratory Corporation of America, LabCorp
Classification: Uncertain significance. Last evaluated: 2025-04-24. Review status: criteria provided, single submitter. Criteria: LabCorp Variant Classification Summary - May 2015. Collection method: clinical testing. Allele origin: germline.
Comment: Variant summary: EVC c.2500C>T (p.Pro834Ser) results in a non-conservative amino acid change in the encoded protein sequence. Four of five in-silico tools predict a benign effect of the variant on protein function. The variant was absent in 251470 control chromosomes. The available data on variant occurrences in the general population are insufficient to allow any conclusion about variant significance. To our knowledge, no occurrence of c.2500C>T in individuals affected with Ellis-van Creveld syndrome and no experimental evidence demonstrating its impact on protein function have been reported. ClinVar contains an entry for this variant (Variation ID: 1347769). Based on the evidence outlined above, the variant was classified as uncertain significance.

Ambry Genetics
Classification: Uncertain significance for Inborn genetic diseases. Last evaluated: 2023-11-22. Review status: criteria provided, single submitter. Criteria: Ambry Variant Classification Scheme 2023. Collection method: clinical testing. Allele origin: germline.

Labcorp Genetics (formerly Invitae), Labcorp
Classification: Uncertain significance for Curry-Hall syndrome; Ellis-van Creveld syndrome. Last evaluated: 2021-08-30. Review status: criteria provided, single submitter. Criteria: Invitae Variant Classification Sherloc (09022015). Collection method: clinical testing. Allele origin: germline.
Comment: This sequence change replaces proline with serine at codon 834 of the EVC protein (p.Pro834Ser). The proline residue is moderately conserved and there is a moderate physicochemical difference between proline and serine. This variant is not present in population databases (ExAC no frequency). This variant has not been reported in the literature in individuals affected with EVC-related conditions. Algorithms developed to predict the effect of missense changes on protein structure and function output the following: SIFT: "Tolerated"; PolyPhen-2: "Benign"; Align-GVGD: "Class C0". The serine amino acid residue is found in multiple mammalian species, which suggests that this missense change does not adversely affect protein function. In summary, the available evidence is currently insufficient to determine the role of this variant in disease. Therefore, it has been classified as a Variant of Uncertain Significance.

NM_153717.3(EVC):c.2500C>T (p.Pro834Ser)

Gene: EVC (EvC ciliary complex subunit 1; plus strand). Cytogenetic location: 4p16.2.
Variant type: single nucleotide variant.
Coding change: c.2500C>T on transcript NM_153717.3 (MANE Select); coding-DNA position 2500, C replaced by T.
Protein change: p.Pro834Ser; replaces proline 834 with serine.
Molecular consequence: missense variant.
Genome position (GRCh38, 1-based): chr4:5,804,780, C>T. VCF-style: chr4-5804780-C-T. GRCh37 (hg19) VCF-style: chr4-5806507-C-T.
Other names: c.2500C>T, p.Pro834Ser (NM_001306090.2); c.2500C>T (NM_153717.2); short protein forms P834S.
Identifiers: ClinVar variation 1347769 (VCV001347769.9), dbSNP rs1395596111, ClinGen allele CA356149441.